The following is an entry in ClinVar:

ClinVar aggregate classification (germline): Uncertain significance (1 of 4 stars; one submission).

Submission:

Labcorp Genetics (formerly Invitae), Labcorp
Classification: Uncertain significance. Last evaluated: 2022-08-06. Review status: criteria provided, single submitter. Criteria: Invitae Variant Classification Sherloc (09022015). Collection method: clinical testing. Allele origin: germline.
Comment: In summary, the available evidence is currently insufficient to determine the role of this variant in disease. Therefore, it has been classified as a Variant of Uncertain Significance. Experimental studies and prediction algorithms are not available or were not evaluated, and the functional significance of this variant is currently unknown. This variant has not been reported in the literature in individuals affected with ATP8A2-related conditions. This variant results in a copy number gain of the genomic region encompassing exon(s) 36-37 of the ATP8A2 gene. This region includes the termination codon of the gene. This copy number gain extends beyond the assayed region for this gene and therefore may encompass additional genes. As the precise location of this event is unknown, it may be in tandem or it may be located elsewhere in the genome.

NC_000013.10:g.(?_26586649)_(26594123_?)dup

Gene: ATP8A2 (ATPase phospholipid transporting 8A2). Cytogenetic location: 13q12.13.
Variant type: Duplication.
Identifiers: ClinVar variation 2426308 (VCV002426308.3).